The following is an entry in ClinVar:

ClinVar aggregate classification (germline): Likely benign (0 of 4 stars; one submission).

Conditions:
NRP2-related disorder. Also called: NRP2-related condition.

gnomAD v4.1: 25 of 1,614,116 alleles (0.0015%); highest among the groups gnomAD compares: African/African-American, 0.004%; no homozygotes.

Submission:

PreventionGenetics, part of Exact Sciences
Classification: Likely benign for NRP2-related condition. Last evaluated: 2024-05-07. Review status: no assertion criteria provided. Collection method: clinical testing. Allele origin: germline.
Comment: This variant is classified as likely benign based on ACMG/AMP sequence variant interpretation guidelines (Richards et al. 2015 PMID: 25741868, with internal and published modifications).

NM_003872.3(NRP2):c.2142G>A (p.Val714=)

Gene: NRP2 (neuropilin 2; plus strand). Cytogenetic location: 2q33.3.
Variant type: single nucleotide variant.
Coding change: c.2142G>A on transcript NM_003872.3 (MANE Select); coding-DNA position 2142, G replaced by A.
Protein change: p.Val714=; no amino-acid change (valine 714 retained).
Molecular consequence: synonymous variant.
Genome position (GRCh38, 1-based): chr2:205,763,771, G>A. VCF-style: chr2-205763771-G-A. GRCh37 (hg19) VCF-style: chr2-206628495-G-A.
Other names: c.2142G>A, p.Val714= (NM_018534.4, NM_201266.2, NM_201267.2 and 1 more transcripts).
Identifiers: ClinVar variation 3355930 (VCV003355930.1).